The following is an entry in ClinVar:

NM_020163.3(SEMA3G):c.324G>A (p.Lys108=)

Gene: SEMA3G (semaphorin 3G; minus strand). Cytogenetic location: 3p21.1.
Variant type: single nucleotide variant.
Coding change: c.324G>A on transcript NM_020163.3 (MANE Select); coding-DNA position 324, G replaced by A.
Protein change: p.Lys108=; no amino-acid change (lysine 108 retained).
Molecular consequence: synonymous variant.
Genome position (GRCh38, 1-based): chr3:52,442,574, C>T on the plus strand (G>A on the coding strand, the complement: SEMA3G is on the minus strand). VCF-style: chr3-52442574-C-T. GRCh37 (hg19) VCF-style: chr3-52476590-C-T.
Identifiers: ClinVar variation 3358819 (VCV003358819.1).

ClinVar aggregate classification (germline): Likely benign (0 of 4 stars; one submission).

Conditions:
SEMA3G-related disorder. Also called: SEMA3G-related condition.

gnomAD v4.1: 17 of 1,614,020 alleles (0.0011%); highest among the groups gnomAD compares: Non-Finnish European, 0.0014%; no homozygotes.

Submission:

PreventionGenetics, part of Exact Sciences
Classification: Likely benign for SEMA3G-related condition. Last evaluated: 2021-06-01. Review status: no assertion criteria provided. Collection method: clinical testing. Allele origin: germline.
Comment: This variant is classified as likely benign based on ACMG/AMP sequence variant interpretation guidelines (Richards et al. 2015 PMID: 25741868, with internal and published modifications).